The following is an entry in ClinVar:

ClinVar aggregate classification (germline): Uncertain significance. Review status: criteria provided, multiple submitters, no conflicts (2 of 4 stars). 4 submissions from 4 submitters: Uncertain significance (4). Last evaluated 2023-12-03.

Conditions:
Hypertrophic cardiomyopathy 10. Also called: MYL2-Related Familial Hypertrophic Cardiomyopathy; CARDIOMYOPATHY, HYPERTROPHIC, MID-LEFT VENTRICULAR CHAMBER TYPE, 2. Identifiers: MedGen C1834460, MONDO:0012112, OMIM 608758.
Myopathy, myofibrillar, 12, infantile-onset, with cardiomyopathy. Identifiers: MedGen C5561937, MONDO:0859168, OMIM 619424.
Cardiomyopathy (CMYO). Also called: Cardiomyopathies. Identifiers: Orphanet 167848, MedGen C0878544, MONDO:0004994, HP:0001638. Inheritance: Various modes of inheritance.
Hypertrophic cardiomyopathy. Also called: HYPERTROPHIC MYOCARDIOPATHY. Identifiers: Orphanet 217569, MedGen C0007194, MeSH D002312, MONDO:0005045, HP:0001639.

Allele frequency attached by ClinVar (database versions not stated): gnomAD exomes below 0.00001; TOPMed below 0.00001; gnomAD 0.00001.
gnomAD v4.1: 3 of 1,613,786 alleles (0.00019%); highest among the groups gnomAD compares: Admixed American, 0.0017%; no homozygotes.

Submissions (4):

Labcorp Genetics (formerly Invitae), Labcorp
Classification: Uncertain significance for Hypertrophic cardiomyopathy 10. Last evaluated: 2023-12-03. Review status: criteria provided, single submitter. Criteria: Invitae Variant Classification Sherloc (09022015). Collection method: clinical testing. Allele origin: germline.
Comment: This sequence change replaces methionine, which is neutral and non-polar, with threonine, which is neutral and polar, at codon 69 of the MYL2 protein (p.Met69Thr). This variant is not present in population databases (gnomAD no frequency). This missense change has been observed in individual(s) with hypertrophic cardiomyopathy (PMID: 27600940). ClinVar contains an entry for this variant (Variation ID: 927979). An algorithm developed to predict the effect of missense changes on protein structure and function (PolyPhen-2) suggests that this variant is likely to be disruptive. In summary, the available evidence is currently insufficient to determine the role of this variant in disease. Therefore, it has been classified as a Variant of Uncertain Significance.

All of Us Research Program, National Institutes of Health
Classification: Uncertain significance for Hypertrophic cardiomyopathy. Last evaluated: 2023-06-26. Review status: criteria provided, single submitter. Criteria: ACMG Guidelines, 2015. Collection method: clinical testing. Allele origin: germline. Inheritance: Autosomal dominant inheritance. Observed: 3 variant alleles, 3 heterozygotes.
Comment: This missense variant replaces methionine with threonine at codon 69 of the MYL2 protein. Computational prediction suggests that this variant may have deleterious impact on protein structure and function (internally defined REVEL score threshold >= 0.7, PMID: 27666373). Splice site prediction tools suggest that this variant may not impact RNA splicing. To our knowledge, functional studies have not been performed for this variant. This variant has not been reported in individuals affected with cardiovascular disorders in the literature. This variant has not been identified in the general population by the Genome Aggregation Database (gnomAD). The available evidence is insufficient to determine the role of this variant in disease conclusively. Therefore, this variant is classified as a Variant of Uncertain Significance.

This study involves interpretation of variants in research participants for the purpose of population health screening. Participant phenotype was not available at the time of variant classification. Additional details can be found in publication PMID: 35346344, PMCID: PMC8962531

Color Diagnostics, LLC DBA Color Health
Classification: Uncertain significance for Cardiomyopathy. Last evaluated: 2023-04-25. Review status: criteria provided, single submitter. Criteria: ACMG Guidelines, 2015. Collection method: clinical testing. Allele origin: germline.
Comment: This missense variant replaces methionine with threonine at codon 69 of the MYL2 protein. Computational prediction suggests that this variant may have deleterious impact on protein structure and function (internally defined REVEL score threshold >= 0.7, PMID: 27666373). To our knowledge, functional studies have not been reported for this variant. This variant has been reported in an individual affected with hypertrophic cardiomyopathy (PMID: 27600940). This variant has not been identified in the general population by the Genome Aggregation Database (gnomAD). The available evidence is insufficient to determine the role of this variant in disease conclusively. Therefore, this variant is classified as a Variant of Uncertain Significance.

Fulgent Genetics
Classification: Uncertain significance for Hypertrophic cardiomyopathy 10; Myopathy, myofibrillar, 12, infantile-onset, with cardiomyopathy. Last evaluated: 2021-09-25. Review status: criteria provided, single submitter. Criteria: ACMG Guidelines, 2015. Collection method: clinical testing. Allele origin: unknown.

Literature cited by the submitters: PubMed 27600940 (cited by Labcorp Genetics (formerly Invitae), Labcorp and Color Diagnostics, LLC DBA Color Health).

NM_000432.4(MYL2):c.206T>C (p.Met69Thr)

Gene: MYL2 (myosin light chain 2; minus strand). Cytogenetic location: 12q24.11.
Variant type: single nucleotide variant.
Coding change: c.206T>C on transcript NM_000432.4 (MANE Select); coding-DNA position 206, T replaced by C.
Protein change: p.Met69Thr; replaces methionine 69 with threonine.
Molecular consequence: missense variant.
Genome position (GRCh38, 1-based): chr12:110,914,254, A>G on the plus strand (T>C on the coding strand, the complement: MYL2 is on the minus strand). VCF-style: chr12-110914254-A-G. GRCh37 (hg19) VCF-style: chr12-111352058-A-G.
Other names: short protein forms M69T.
Identifiers: ClinVar variation 927979 (VCV000927979.12), dbSNP rs2071674449, ClinGen allele CA386698787.